The following is an entry in ClinVar:

ClinVar aggregate classification (germline): Uncertain significance (1 of 4 stars; one submission).

Submission:

Women's Health and Genetics/Laboratory Corporation of America, LabCorp
Classification: Uncertain significance. Last evaluated: 2024-01-22. Review status: criteria provided, single submitter. Criteria: LabCorp Variant Classification Summary - May 2015. Collection method: clinical testing. Allele origin: germline.
Comment: Variant summary: TIMELESS c.1413T>G (p.Asn471Lys) results in a non-conservative amino acid change in the encoded protein sequence. Four of five in-silico tools predict a damaging effect of the variant on protein function. The variant was absent in 247866 control chromosomes. The available data on variant occurrences in the general population are insufficient to allow any conclusion about variant significance. To our knowledge, no occurrence of c.1413T>G in individuals affected with Advance Sleep Phase Syndrome, Familial, 4 and no experimental evidence demonstrating its impact on protein function have been reported. No submitters have cited clinical-significance assessments for this variant to ClinVar. Based on the evidence outlined above, the variant was classified as uncertain significance.

NM_003920.5(TIMELESS):c.1413T>G (p.Asn471Lys)

Gene: TIMELESS (timeless circadian regulator; minus strand). Cytogenetic location: 12q13.3.
Variant type: single nucleotide variant.
Coding change: c.1413T>G on transcript NM_003920.5 (MANE Select); coding-DNA position 1413, T replaced by G.
Protein change: p.Asn471Lys; replaces asparagine 471 with lysine.
Molecular consequence: missense variant. On other transcripts: non-coding transcript variant (1).
Genome position (GRCh38, 1-based): chr12:56,428,401, A>C on the plus strand (T>G on the coding strand, the complement: TIMELESS is on the minus strand). VCF-style: chr12-56428401-A-C. GRCh37 (hg19) VCF-style: chr12-56822185-A-C.
Other names: c.1410T>G, p.Asn470Lys (NM_001330295.2); short protein forms N470K, N471K.
Identifiers: ClinVar variation 3063619 (VCV003063619.1), dbSNP rs2547299376, ClinGen allele CA385248450.